The following is an entry in ClinVar:

ClinVar aggregate classification (germline): Likely pathogenic (1 of 4 stars; one submission).

Submission:

Labcorp Genetics (formerly Invitae), Labcorp
Classification: Likely pathogenic. Last evaluated: 2026-01-24. Review status: criteria provided, single submitter. Criteria: Invitae Variant Classification Sherloc (09022015). Collection method: clinical testing. Allele origin: germline.
Comment: This sequence change affects a donor splice site in intron 8 of the NCSTN gene. It is expected to disrupt RNA splicing. Variants that disrupt the donor or acceptor splice site typically lead to a loss of protein function (PMID: 16199547), and loss-of-function variants in NCSTN are known to be pathogenic (PMID: 20929727, 21430701, 22358060). This variant is not present in population databases (gnomAD no frequency). This variant has not been reported in the literature in individuals affected with NCSTN-related conditions. Algorithms developed to predict the effect of sequence changes on RNA splicing suggest that this variant may disrupt the consensus splice site. In summary, the currently available evidence indicates that the variant is pathogenic, but additional data are needed to prove that conclusively. Therefore, this variant has been classified as Likely Pathogenic.

Literature cited by the submitters: PubMed 16199547; PubMed 20929727; PubMed 21430701; PubMed 22358060.

NM_015331.3(NCSTN):c.996+1G>A

Gene: NCSTN (nicastrin; plus strand). Cytogenetic location: 1q23.2.
Variant type: single nucleotide variant.
Coding change: c.996+1G>A on transcript NM_015331.3 (MANE Select); the canonical splice donor site of the intron after coding-DNA position 996, G replaced by A.
Molecular consequence: splice donor variant. On other transcripts: intron variant (1).
Genome position (GRCh38, 1-based): chr1:160,352,207, G>A. VCF-style: chr1-160352207-G-A. GRCh37 (hg19) VCF-style: chr1-160321997-G-A.
Other names: c.936+1G>A (NM_001290184.2); c.996+1G>A (NM_001349729.2); c.583-680G>A (NM_001290186.2).
Identifiers: ClinVar variation 4735809 (VCV004735809.1).
Genomic context (GRCh38, chr1:160,352,207, plus strand): 5'-CAAAAGGCACCTGATGTGACCACCCTGCCCCGCAATGTCATGTTTGTCTTCTTTCAAGGG[G>A]TAAGGGCTCTTTGGCTGGGGTGCAATGGCAGGGAAGAAAGAGGATAGTAAAGATGAGAGT-3'